The following is an entry in ClinVar:

ClinVar aggregate classification (germline): Uncertain significance (1 of 4 stars; one submission).

Submission:

Labcorp Genetics (formerly Invitae), Labcorp
Classification: Uncertain significance. Last evaluated: 2023-01-15. Review status: criteria provided, single submitter. Criteria: Invitae Variant Classification Sherloc (09022015). Collection method: clinical testing. Allele origin: germline.
Comment: In summary, the available evidence is currently insufficient to determine the role of this variant in disease. Therefore, it has been classified as a Variant of Uncertain Significance. Algorithms developed to predict the effect of missense changes on protein structure and function are either unavailable or do not agree on the potential impact of this missense change (SIFT: "Deleterious"; PolyPhen-2: "Possibly Damaging"; Align-GVGD: "Class C15"). This variant has not been reported in the literature in individuals affected with TNNI3K-related conditions. This variant is not present in population databases (gnomAD no frequency). This sequence change replaces threonine, which is neutral and polar, with arginine, which is basic and polar, at codon 637 of the TNNI3K protein (p.Thr637Arg).

NM_015978.3(TNNI3K):c.1910C>G (p.Thr637Arg)

Genes: FPGT-TNNI3K (FPGT-TNNI3K readthrough; plus strand), TNNI3K (TNNI3 interacting kinase; plus strand). Cytogenetic location: 1p31.1.
Variant type: single nucleotide variant.
Coding change: c.1910C>G on transcript NM_015978.3 (MANE Select); coding-DNA position 1910, C replaced by G.
Protein change: p.Thr637Arg; replaces threonine 637 with arginine.
Molecular consequence: missense variant.
Genome position (GRCh38, 1-based): chr1:74,439,521, C>G. VCF-style: chr1-74439521-C-G. GRCh37 (hg19) VCF-style: chr1-74905205-C-G.
Other names: c.2213C>G, p.Thr738Arg (NM_001112808.3, NM_001199327.2); short protein forms T637R, T738R.
Identifiers: ClinVar variation 2776501 (VCV002776501.3), dbSNP rs2274260, ClinGen allele CA340789718.